The following is an entry in ClinVar:

NM_006904.7(PRKDC):c.11029C>A (p.Pro3677Thr)

Gene: PRKDC (protein kinase, DNA-activated, catalytic subunit; minus strand). Cytogenetic location: 8q11.21.
Variant type: single nucleotide variant.
Coding change: c.11029C>A on transcript NM_006904.7 (MANE Select); coding-DNA position 11029, C replaced by A.
Protein change: p.Pro3677Thr; replaces proline 3677 with threonine.
Molecular consequence: missense variant.
Genome position (GRCh38, 1-based): chr8:47,785,191, G>T on the plus strand (C>A on the coding strand, the complement: PRKDC is on the minus strand). VCF-style: chr8-47785191-G-T. GRCh37 (hg19) VCF-style: chr8-48697752-G-T.
Other names: c.11029C>A, p.Pro3677Thr (NM_001081640.2); short protein forms P3677T.
Identifiers: ClinVar variation 2449825 (VCV002449825.2), dbSNP rs55924155, ClinGen allele CA371131061.

ClinVar aggregate classification (germline): Uncertain significance (1 of 4 stars; one submission).

Submission:

Ambry Genetics
Classification: Uncertain significance. Last evaluated: 2022-11-27. Review status: criteria provided, single submitter. Criteria: Ambry Variant Classification Scheme 2023. Collection method: clinical testing. Allele origin: germline.
Comment: The p.P3677T variant (also known as c.11029C>A), located in coding exon 77 of the PRKDC gene, results from a C to A substitution at nucleotide position 11029. The proline at codon 3677 is replaced by threonine, an amino acid with highly similar properties. This amino acid position is conserved. In addition, the in silico prediction for this alteration is inconclusive. Since supporting evidence is limited at this time, the clinical significance of this alteration remains unclear.